The following is an entry in ClinVar:

ClinVar aggregate classification (germline): Conflicting classifications of pathogenicity. Review status: criteria provided, conflicting classifications (1 of 4 stars). 2 submissions from 2 submitters: Uncertain significance (1); Likely benign (1). Last evaluated 2024-09-26.

Allele frequency attached by ClinVar (database versions not stated): gnomAD exomes 0.00002; ExAC 0.00005; gnomAD 0.00009; TOPMed 0.00010; ESP Exome Variant Server 0.00015; 1000 Genomes Project 30x 0.00016; 1000 Genomes Project 0.00020.
gnomAD v4.1: 49 of 1,614,192 alleles (0.003%); highest among the groups gnomAD compares: African/African-American, 0.027%; no homozygotes.

Submissions (2):

Ambry Genetics
Classification: Likely benign. Last evaluated: 2024-09-26. Review status: criteria provided, single submitter. Criteria: Ambry Variant Classification Scheme 2023. Collection method: clinical testing. Allele origin: germline.

Labcorp Genetics (formerly Invitae), Labcorp
Classification: Uncertain significance. Last evaluated: 2022-01-16. Review status: criteria provided, single submitter. Criteria: Invitae Variant Classification Sherloc (09022015). Collection method: clinical testing. Allele origin: germline.
Comment: In summary, the available evidence is currently insufficient to determine the role of this variant in disease. Therefore, it has been classified as a Variant of Uncertain Significance. Algorithms developed to predict the effect of missense changes on protein structure and function output the following: SIFT: "Tolerated"; PolyPhen-2: "Benign"; Align-GVGD: "Class C0". The glutamic acid amino acid residue is found in multiple mammalian species, which suggests that this missense change does not adversely affect protein function. This variant has not been reported in the literature in individuals affected with IGSF10-related conditions. This variant is present in population databases (rs144521359, gnomAD 0.02%). This sequence change replaces lysine, which is basic and polar, with glutamic acid, which is acidic and polar, at codon 1049 of the IGSF10 protein (p.Lys1049Glu).

NM_178822.5(IGSF10):c.3145A>G (p.Lys1049Glu)

Gene: IGSF10 (immunoglobulin superfamily member 10; minus strand). Cytogenetic location: 3q25.1.
Variant type: single nucleotide variant.
Coding change: c.3145A>G on transcript NM_178822.5 (MANE Select); coding-DNA position 3145, A replaced by G.
Protein change: p.Lys1049Glu; replaces lysine 1049 with glutamic acid.
Molecular consequence: missense variant.
Genome position (GRCh38, 1-based): chr3:151,446,836, T>C on the plus strand (A>G on the coding strand, the complement: IGSF10 is on the minus strand). VCF-style: chr3-151446836-T-C. GRCh37 (hg19) VCF-style: chr3-151164624-T-C.
Other names: c.3145A>G (NM_178822.4); c.3145A>G, p.Lys1049Glu (NM_001385060.1, NM_001385061.1, NM_001385062.1 and 1 more transcripts); short protein forms K1049E.
Identifiers: ClinVar variation 1914780 (VCV001914780.6), dbSNP rs144521359, ClinGen allele CA2670222.